The following is an entry in ClinVar:

NM_001754.5(RUNX1):c.917G>A (p.Arg306His)

Gene: RUNX1 (RUNX family transcription factor 1; minus strand). Cytogenetic location: 21q22.12.
Variant type: single nucleotide variant.
Coding change: c.917G>A on transcript NM_001754.5 (MANE Select); coding-DNA position 917, G replaced by A.
Protein change: p.Arg306His; replaces arginine 306 with histidine.
Molecular consequence: missense variant.
Genome position (GRCh38, 1-based): chr21:34,799,351, C>T on the plus strand (G>A on the coding strand, the complement: RUNX1 is on the minus strand). VCF-style: chr21-34799351-C-T. GRCh37 (hg19) VCF-style: chr21-36171648-C-T.
Other names: NM_001754.5(RUNX1):c.917G>A; p.Arg306His; c.836G>A, p.Arg279His (NM_001001890.3); short protein forms R306H, R279H.
Identifiers: ClinVar variation 464013 (VCV000464013.17), dbSNP rs139336358, ClinGen allele CA10014270.

ClinVar aggregate classification (germline): Uncertain significance. Review status: reviewed by expert panel (3 of 4 stars). 5 submissions from 5 submitters: Uncertain significance (1). 4 of the submissions do not count toward it. Last evaluated 2023-11-13.

Conditions:
Inborn genetic diseases. Identifiers: MedGen C0950123, MeSH D030342.
Acute myeloid leukemia (AML). Also called: Leukemia, acute myeloid, somatic; Leukemia, acute myelogenous, somatic; Acute myeloid leukemia, adult; AML adult; Acute non-lymphocytic leukemia; Acute granulocytic leukemia. Identifiers: Orphanet 519, MedGen C0023467, MeSH D015470, MONDO:0018874, OMIM 601626, HP:0004808. Disease mechanism: Constitutively activated FLT3.
Hereditary thrombocytopenia and hematological cancer predisposition syndrome associated with RUNX1. Also called: Familial thrombocytopenia with propensity to acute myelogenous leukemia; RUNX1 Familial Platelet Disorder with Associated Myeloid Malignancies; Familial Platelet Disorder with Propensity to Acute Myelogenous Leukemia; PLATELET DISORDER, ASPIRIN-LIKE. Identifiers: Orphanet 71290, MedGen C1832388, MeSH C563324, MONDO:0100083, OMIM 601399.

Allele frequency attached by ClinVar (database versions not stated): ExAC 0.00002; TOPMed 0.00002; gnomAD 0.00006; ESP Exome Variant Server 0.00008.

Submissions (5):

ClinGen Myeloid Malignancy Variant Curation Expert Panel
Classification: Uncertain significance for Hereditary thrombocytopenia and hematological cancer predisposition syndrome associated with RUNX1. Last evaluated: 2023-11-13. Review status: reviewed by expert panel. Criteria: ClinGen MyeloMalig ACMG Specifications v2. Collection method: curation. Allele origin: germline. Inheritance: Autosomal dominant inheritance.
Comment: In summary, the clinical significance of this variant is uncertain. ACMG/AMP criteria applied, as specified by the Myeloid Malignancy Variant Curation Expert Panel for RUNX1: Nil

Ambry Genetics
Classification: Uncertain significance for Inborn genetic diseases. Last evaluated: 2025-08-10. Review status: criteria provided, single submitter. Criteria: Ambry Variant Classification Scheme 2023. Collection method: clinical testing. Allele origin: germline. Not counted in ClinVar's aggregate classification.

Labcorp Genetics (formerly Invitae), Labcorp
Classification: Uncertain significance for Hereditary thrombocytopenia and hematological cancer predisposition syndrome associated with RUNX1. Last evaluated: 2025-05-12. Review status: criteria provided, single submitter. Criteria: Invitae Variant Classification Sherloc (09022015). Collection method: clinical testing. Allele origin: germline. Not counted in ClinVar's aggregate classification.
Comment: This sequence change replaces arginine, which is basic and polar, with histidine, which is basic and polar, at codon 306 of the RUNX1 protein (p.Arg306His). This variant is present in population databases (rs139336358, gnomAD 0.005%). This variant has not been reported in the literature in individuals affected with RUNX1-related conditions. ClinVar contains an entry for this variant (Variation ID: 464013). Invitae Evidence Modeling of protein sequence and biophysical properties (such as structural, functional, and spatial information, amino acid conservation, physicochemical variation, residue mobility, and thermodynamic stability) has been performed for this missense variant. However, the output from this modeling did not meet the statistical confidence thresholds required to predict the impact of this variant on RUNX1 protein function. In summary, the available evidence is currently insufficient to determine the role of this variant in disease. Therefore, it has been classified as a Variant of Uncertain Significance.

GeneDx
Classification: Uncertain significance. Last evaluated: 2024-12-30. Review status: criteria provided, single submitter. Criteria: GeneDx Variant Classification Process June 2021. Collection method: clinical testing. Allele origin: germline. Not counted in ClinVar's aggregate classification.
Comment: In silico analysis indicates that this missense variant does not alter protein structure/function; Has not been previously published as pathogenic or benign to our knowledge

Baylor Genetics
Classification: Uncertain significance for Acute myeloid leukemia. Last evaluated: 2023-10-19. Review status: criteria provided, single submitter. Criteria: ACMG Guidelines, 2015. Collection method: clinical testing. Allele origin: unknown. Not counted in ClinVar's aggregate classification.